The following is an entry in ClinVar:

NM_152393.4(KLHL40):c.1111G>T (p.Glu371Ter)

Gene: KLHL40 (kelch like family member 40; plus strand). Cytogenetic location: 3p22.1.
Variant type: single nucleotide variant.
Coding change: c.1111G>T on transcript NM_152393.4 (MANE Select); coding-DNA position 1111, G replaced by T.
Protein change: p.Glu371Ter; replaces glutamic acid 371 with a stop codon.
Molecular consequence: nonsense.
Genome position (GRCh38, 1-based): chr3:42,686,729, G>T. VCF-style: chr3-42686729-G-T. GRCh37 (hg19) VCF-style: chr3-42728221-G-T.
Other names: short protein forms E371*.
Identifiers: ClinVar variation 4888360 (VCV004888360.1).

ClinVar aggregate classification (germline): Likely pathogenic (1 of 4 stars; one submission).

Conditions:
Nemaline myopathy 8 (NEM8). Also called: Nemaline myopathy 8, autosomal recessive. Identifiers: Orphanet 171430, MedGen C3809209, MONDO:0014138, OMIM 615348.

Submission:

New York Genome Center
Classification: Likely pathogenic for Nemaline myopathy 8. Last evaluated: 2023-10-13. Review status: criteria provided, single submitter. Criteria: NYGC Assertion Criteria 2020. Collection method: clinical testing. Allele origin: inherited. Affected: yes. Observed: 1 variant allele, 1 compound heterozygote.
Comment: The c.1111G>T p.(Glu371Ter) stop-gain variant identified in the KLHL40 gene has not been reported in affected individuals in the literature or in the ClinVar database. The c.1111G>T variant has 0.0005% minor allele frequency (3 heterozygotes out of ~586,000 alleles, 0homozygotes) in population databases (gnomAD v2.1.1 and v3.1.2, and TOPMed Freeze 8), which is consistent with the expected allele frequency for an autosomal recessive disorder. The c.1111G>T variant is located in the first exon of this 6-exon gene, is predicted to incorporate a premature translation termination codon[p.(Glu371Ter)], and is expected to result in loss-of-function via nonsense mediated mRNA decay. Predicted loss-of-function variants in KLHL40 are known to bePathogenic [PMID: 23746549] and multiple predicted loss-of-function variants upstream of this variant have been identified in patients with KLHL40-related disorder [PMID: 23746549, 31908664, 35379254]. Based on available evidence, this c.1111G>T p.(Glu371Ter) stop-gain variant identified inthe KLKH40 gene is classified as Likely Pathogenic.